The following is an entry in ClinVar:

ClinVar aggregate classification (germline): Uncertain significance (1 of 4 stars; one submission).

Submission:

GeneDx
Classification: Uncertain significance. Last evaluated: 2022-06-08. Review status: criteria provided, single submitter. Criteria: GeneDx Variant Classification Process June 2021. Collection method: clinical testing. Allele origin: germline. Affected: yes.
Comment: Not observed at significant frequency in large population cohorts (gnomAD); Frameshift variant predicted to result in protein truncation or nonsense mediated decay in a gene or region of a gene for which loss of function is not a well-established mechanism of disease; Has not been previously published as pathogenic or benign to our knowledge; Variants in candidate genes are classified as variants of uncertain significance in accordance with ACMG guidelines (Richards et al., 2015)

NM_005898.5(CAPRIN1):c.301del (p.Glu101fs)

Gene: CAPRIN1 (cell cycle associated protein 1; plus strand). Cytogenetic location: 11p13.
Variant type: Deletion.
Coding change: c.301del on transcript NM_005898.5 (MANE Select); coding-DNA position 301, one base deleted (G; older notation c.301delG).
Protein change: p.Glu101fs; shifts the reading frame from glutamic acid 101.
Molecular consequence: frameshift variant.
Genome position (GRCh38, 1-based): chr11:34,071,922, G deleted; the last of 2 consecutive G bases (chr11:34,071,921-34,071,922); deleting either gives the same sequence. VCF-style (leftmost placement, unchanged base first): chr11-34071920-AG-A. GRCh37 (hg19) VCF-style: chr11-34093467-AG-A.
Other names: c.301del, p.Glu101fs (NM_203364.3); short protein forms E101fs.
Identifiers: ClinVar variation 1803575 (VCV001803575.1), dbSNP rs2496027422, ClinGen allele CA2580084076.
Genomic context (GRCh38, chr11:34,071,920, plus strand): 5'-TTTTGTCTTTCCAGTAAAGTTTGGGTTCTTTGTCATTTTAGGATGCCGTTTCTAAGTACC[AG>A]GAAGTCACAAATAATTTGGAGTTTGCAAAAGAATTACAGAGGAGTTTCATGGCACTAAGT-3'